The following is an entry in ClinVar:

ClinVar aggregate classification (germline): Likely benign. Review status: criteria provided, multiple submitters, no conflicts (2 of 4 stars). 3 submissions from 3 submitters: Likely benign (3). Last evaluated 2023-12-13.

Conditions:
Cardiomyopathy (CMYO). Also called: Cardiomyopathies. Identifiers: Orphanet 167848, MedGen C0878544, MONDO:0004994, HP:0001638. Inheritance: Various modes of inheritance.
Catecholaminergic polymorphic ventricular tachycardia 1. Also called: VENTRICULAR TACHYCARDIA, STRESS-INDUCED POLYMORPHIC 1; RYR2-Related Catecholaminergic Polymorphic Ventricular Tachycardia; VENTRICULAR TACHYCARDIA, CATECHOLAMINERGIC POLYMORPHIC, 1, WITH OR WITHOUT ATRIAL DYSFUNCTION AND/OR DILATED CARDIOMYOPATHY. Identifiers: Orphanet 3286, MedGen C1631597, MONDO:0011484, OMIM 604772.
Catecholaminergic polymorphic ventricular tachycardia (CVPT). Also called: Catecholamine-induced polymorphic ventricular tachycardia. Identifiers: Orphanet 3286, MedGen C5574922, MONDO:0017990.

Allele frequency attached by ClinVar (database versions not stated): gnomAD exomes below 0.00001 and 0.00002; gnomAD 0.00001; TOPMed 0.00001; ExAC 0.00002.
gnomAD v4.1: 3 of 1,613,678 alleles (0.00019%); highest among the groups gnomAD compares: East Asian, 0.0045%; no homozygotes.

Submissions (3):

All of Us Research Program, National Institutes of Health
Classification: Likely benign for Catecholaminergic polymorphic ventricular tachycardia. Last evaluated: 2023-12-13. Review status: criteria provided, single submitter. Criteria: ACMG Guidelines, 2015. Collection method: clinical testing. Allele origin: germline. Inheritance: Autosomal dominant inheritance. Observed: 1 variant allele, 1 heterozygote.
Comment: This study involves interpretation of variants in research participants for the purpose of population health screening. Participant phenotype was not available at the time of variant classification. Additional details can be found in publication PMID: 35346344, PMCID: PMC8962531

Color Diagnostics, LLC DBA Color Health
Classification: Likely benign for Cardiomyopathy. Last evaluated: 2023-11-22. Review status: criteria provided, single submitter. Criteria: ACMG Guidelines, 2015. Collection method: clinical testing. Allele origin: germline.

Labcorp Genetics (formerly Invitae), Labcorp
Classification: Likely benign for Catecholaminergic polymorphic ventricular tachycardia 1. Last evaluated: 2022-12-20. Review status: criteria provided, single submitter. Criteria: Invitae Variant Classification Sherloc (09022015). Collection method: clinical testing. Allele origin: germline.

NM_001035.3(RYR2):c.7578A>G (p.Pro2526=)

Gene: RYR2 (ryanodine receptor 2; plus strand). Cytogenetic location: 1q43.
Variant type: single nucleotide variant.
Coding change: c.7578A>G on transcript NM_001035.3 (MANE Select); coding-DNA position 7578, A replaced by G.
Protein change: p.Pro2526=; no amino-acid change (proline 2526 retained).
Molecular consequence: synonymous variant.
Genome position (GRCh38, 1-based): chr1:237,649,942, A>G. VCF-style: chr1-237649942-A-G. GRCh37 (hg19) VCF-style: chr1-237813242-A-G.
Identifiers: ClinVar variation 1564784 (VCV001564784.11), dbSNP rs763555863, ClinGen allele CA087431.